The following is an entry in ClinVar:

ClinVar aggregate classification (germline): Uncertain significance (1 of 4 stars; one submission).

Submission:

GeneDx
Classification: Uncertain significance. Last evaluated: 2024-07-18. Review status: criteria provided, single submitter. Criteria: GeneDx Variant Classification Process June 2021. Collection method: clinical testing. Allele origin: germline. Affected: yes.
Comment: Not observed at significant frequency in large population cohorts (gnomAD); In silico analysis supports that this missense variant has a deleterious effect on protein structure/function; Has not been previously published as pathogenic or benign to our knowledge; This variant is associated with the following publications: (PMID: 26986877)

NM_005654.6(NR2F1):c.1071G>C (p.Arg357Ser)

Gene: NR2F1 (nuclear receptor subfamily 2 group F member 1; plus strand). Cytogenetic location: 5q15.
Variant type: single nucleotide variant.
Coding change: c.1071G>C on transcript NM_005654.6 (MANE Select); coding-DNA position 1071, G replaced by C.
Protein change: p.Arg357Ser; replaces arginine 357 with serine.
Molecular consequence: missense variant.
Genome position (GRCh38, 1-based): chr5:93,593,641, G>C. VCF-style: chr5-93593641-G-C. GRCh37 (hg19) VCF-style: chr5-92929347-G-C.
Other names: c.621G>C, p.Arg207Ser (NM_001410754.1); short protein forms R207S, R357S.
Identifiers: ClinVar variation 3573809 (VCV003573809.1).
Genomic context (GRCh38, chr5:93,593,641, plus strand): 5'-TGCGGCCCACATCGAGAGCCTGCAGGAGAAGTCGCAGTGCGCACTGGAGGAGTACGTGAG[G>C]AGCCAGTACCCCAACCAGCCCAGCCGTTTTGGCAAACTGCTGCTGCGACTGCCCTCGCTG-3'
Protein context (NP_005645.1, residues 347-367): KSQCALEEYV[Arg357Ser]SQYPNQPSRF